The following is an entry in ClinVar:

NM_001199138.2(NLRC4):c.213dup (p.Ser72fs)

Gene: NLRC4 (NLR family CARD domain containing 4; minus strand). Cytogenetic location: 2p22.3.
Variant type: Duplication.
Coding change: c.213dup on transcript NM_001199138.2 (MANE Select); coding-DNA position 213, one base duplicated (A; older notation c.213dupA).
Protein change: p.Ser72fs; shifts the reading frame from serine 72.
Molecular consequence: frameshift variant.
Genome position (GRCh38, 1-based): chr2:32,252,468, T duplicated on the plus strand (A on the coding strand, the reverse complement: NLRC4 is on the minus strand); the first of 3 consecutive T bases (chr2:32,252,468-32,252,470); duplicating any one gives the same sequence. VCF-style (leftmost placement, unchanged base first): chr2-32252467-A-AT. GRCh37 (hg19) VCF-style: chr2-32477536-A-AT.
Other names: c.213dupA (NM_021209.4); c.211dup, p.Ser72Ilefs (NM_001199139.2, NM_001302504.2, NM_021209.5); short protein forms S72fs.
Identifiers: ClinVar variation 565443 (VCV000565443.7), dbSNP rs1369844308, ClinGen allele CA531767633.

ClinVar aggregate classification (germline): Uncertain significance. Review status: criteria provided, multiple submitters, no conflicts (2 of 4 stars). 2 submissions from 2 submitters: Uncertain significance (2). Last evaluated 2022-05-31.

Conditions:
Periodic fever-infantile enterocolitis-autoinflammatory syndrome. Also called: Autoinflammation with infantile enterocolitis. Identifiers: Orphanet 436166, MedGen C4015067, MONDO:0014472, OMIM 616050.
Familial cold autoinflammatory syndrome 4 (FCAS4). Identifiers: Orphanet 47045, Orphanet 576349, MedGen C4015276, MONDO:0014498, OMIM 616115.

Submissions (2):

Fulgent Genetics
Classification: Uncertain significance for Periodic fever-infantile enterocolitis-autoinflammatory syndrome; Familial cold autoinflammatory syndrome 4. Last evaluated: 2022-05-31. Review status: criteria provided, single submitter. Criteria: ACMG Guidelines, 2015. Collection method: clinical testing. Allele origin: unknown.

Labcorp Genetics (formerly Invitae), Labcorp
Classification: Uncertain significance for Periodic fever-infantile enterocolitis-autoinflammatory syndrome; Familial cold autoinflammatory syndrome 4. Last evaluated: 2018-06-29. Review status: criteria provided, single submitter. Criteria: Invitae Variant Classification Sherloc (09022015). Collection method: clinical testing. Allele origin: germline.
Comment: The current clinical and genetic evidence is not sufficient to establish whether loss-of-function variants in NLRC4 cause disease. This variant has not been reported in the literature in individuals with NLRC4-related disease. This variant is not present in population databases (ExAC no frequency). This sequence change creates a premature translational stop signal (p.Ser72Ilefs*3) in the NLRC4 gene. It is expected to result in an absent or disrupted protein product. In summary, the available evidence is currently insufficient to determine the role of this variant in disease. Therefore, it has been classified as a Variant of Uncertain Significance.